The following is an entry in ClinVar:

ClinVar aggregate classification (germline): Conflicting classifications of pathogenicity. Review status: criteria provided, conflicting classifications (1 of 4 stars). 7 submissions from 7 submitters: Uncertain significance (5); Likely benign (2). Last evaluated 2024-11-15.

Conditions:
Inborn genetic diseases. Identifiers: MedGen C0950123, MeSH D030342.
Meckel-Gruber syndrome. Also called: GRUBER SYNDROME; DYSENCEPHALIA SPLANCHNOCYSTICA; Dysencephalia splachnocystica. Identifiers: Orphanet 564, MedGen C0265215, MONDO:0018921.
Joubert syndrome. Also called: Familial aplasia of the vermis; JOUBERT-BOLTSHAUSER SYNDROME. Identifiers: Orphanet 475, MedGen C5979921, MONDO:0018772.
Joubert syndrome 13 (JBTS13). Identifiers: Orphanet 475, MedGen C3280031, MONDO:0013608, OMIM 614173.

Allele frequency attached by ClinVar (database versions not stated): 1000 Genomes Project 0.00020; 1000 Genomes Project 30x 0.00047; TOPMed 0.00068; gnomAD 0.00071 and 0.00074; gnomAD exomes 0.00075 and 0.00113; ExAC 0.00082; ESP Exome Variant Server 0.00092.

Submissions (7):

Blueprint Genetics
Classification: Likely benign. Last evaluated: 2024-11-15. Review status: criteria provided, single submitter. Criteria: ACMG Guidelines, 2015. Collection method: clinical testing. Allele origin: germline.

Department of Pathology and Laboratory Medicine, Sinai Health System
Classification: Uncertain significance for Joubert syndrome 13. Last evaluated: 2023-08-22. Review status: criteria provided, single submitter. Criteria: ACMG Guidelines, 2015. Collection method: research. Allele origin: germline.

Labcorp Genetics (formerly Invitae), Labcorp
Classification: Uncertain significance for Joubert syndrome; Meckel-Gruber syndrome. Last evaluated: 2022-11-01. Review status: criteria provided, single submitter. Criteria: Invitae Variant Classification Sherloc (09022015). Collection method: clinical testing. Allele origin: germline.
Comment: This sequence change replaces valine, which is neutral and non-polar, with leucine, which is neutral and non-polar, at codon 431 of the TCTN1 protein (p.Val431Leu). This variant is present in population databases (rs188817098, gnomAD 0.1%), and has an allele count higher than expected for a pathogenic variant. This variant has not been reported in the literature in individuals affected with TCTN1-related conditions. ClinVar contains an entry for this variant (Variation ID: 461755). Advanced modeling of protein sequence and biophysical properties (such as structural, functional, and spatial information, amino acid conservation, physicochemical variation, residue mobility, and thermodynamic stability) performed at Invitae indicates that this missense variant is expected to disrupt TCTN1 protein function. In summary, the available evidence is currently insufficient to determine the role of this variant in disease. Therefore, it has been classified as a Variant of Uncertain Significance.

Fulgent Genetics
Classification: Uncertain significance for Joubert syndrome 13. Last evaluated: 2021-12-11. Review status: criteria provided, single submitter. Criteria: ACMG Guidelines, 2015. Collection method: clinical testing. Allele origin: unknown.

Ambry Genetics
Classification: Likely benign for Inborn genetic diseases. Last evaluated: 2021-08-30. Review status: criteria provided, single submitter. Criteria: Ambry Variant Classification Scheme 2023. Collection method: clinical testing. Allele origin: germline.

GeneDx
Classification: Uncertain significance. Last evaluated: 2020-04-06. Review status: criteria provided, single submitter. Criteria: GeneDx Variant Classification Process June 2021. Collection method: clinical testing. Allele origin: germline. Affected: yes.
Comment: In silico analysis, which includes protein predictors and evolutionary conservation, supports that this variant does not alter protein structure/function; Has not been previously published as pathogenic or benign in association with neurodevelopmental disorders to our knowledge; This variant is associated with the following publications: (PMID: 30950222)

Illumina Laboratory Services, Illumina
Classification: Uncertain significance for Joubert syndrome 13. Last evaluated: 2018-01-13. Review status: criteria provided, single submitter. Criteria: ICSL Variant Classification Criteria 13 December 2019. Collection method: clinical testing. Allele origin: germline.

NM_001082538.3(TCTN1):c.1291G>C (p.Val431Leu)

Gene: TCTN1 (tectonic family member 1; plus strand). Cytogenetic location: 12q24.11.
Variant type: single nucleotide variant.
Coding change: c.1291G>C on transcript NM_001082538.3 (MANE Select); coding-DNA position 1291, G replaced by C.
Protein change: p.Val431Leu; replaces valine 431 with leucine.
Molecular consequence: missense variant. On other transcripts: intron variant (2).
Genome position (GRCh38, 1-based): chr12:110,642,349, G>C. VCF-style: chr12-110642349-G-C. GRCh37 (hg19) VCF-style: chr12-111080154-G-C.
Other names: c.1291G>C, p.Val431Leu (NM_001082537.3); c.1123G>C, p.Val375Leu (NM_001173975.3); c.757G>C, p.Val253Leu (NM_001319681.2); c.1249G>C, p.Val417Leu (NM_024549.6); c.1010+722G>C (NM_001173976.2); c.1190+722G>C (NM_001319680.2); short protein forms V417L, V431L, V253L, V375L.
Identifiers: ClinVar variation 461755 (VCV000461755.17), dbSNP rs188817098, ClinGen allele CA6786858.